The following is an entry in ClinVar:

NM_001375524.1(TRRAP):c.8534C>T (p.Thr2845Met)

Gene: TRRAP (transformation/transcription domain associated protein; plus strand). Cytogenetic location: 7q22.1.
Variant type: single nucleotide variant.
Coding change: c.8534C>T on transcript NM_001375524.1 (MANE Select); coding-DNA position 8534, C replaced by T.
Protein change: p.Thr2845Met; replaces threonine 2845 with methionine.
Molecular consequence: missense variant.
Genome position (GRCh38, 1-based): chr7:98,978,804, C>T. VCF-style: chr7-98978804-C-T. GRCh37 (hg19) VCF-style: chr7-98576427-C-T.
Other names: c.8513C>T, p.Thr2838Met (NM_001244580.2); c.8459C>T, p.Thr2820Met (NM_003496.4); short protein forms T2820M, T2838M, T2845M.
Identifiers: ClinVar variation 4750622 (VCV004750622.1).
Genomic context (GRCh38, chr7:98,978,804, plus strand): 5'-TGCTCTGGGATCTGTGGTCTTCTAGATGCTCCAAGGAATTGAACCAGTGGGAAGCCCTGA[C>T]GGAGTACGGTCAGTCCAAAGGCCACATCAACCCCTACCTCGTCCTGGAGTGCGCCTGGCG-3'
Protein context (NP_001362453.1, residues 2835-2855): SKELNQWEAL[Thr2845Met]EYGQSKGHIN

ClinVar aggregate classification (germline): Uncertain significance (1 of 4 stars; one submission).

gnomAD v4.1: 47 of 1,614,120 alleles (0.0029%); highest among the groups gnomAD compares: South Asian, 0.0044%; no homozygotes.

Submission:

Labcorp Genetics (formerly Invitae), Labcorp
Classification: Uncertain significance. Last evaluated: 2025-11-28. Review status: criteria provided, single submitter. Criteria: Invitae Variant Classification Sherloc (09022015). Collection method: clinical testing. Allele origin: germline.
Comment: This sequence change replaces threonine, which is neutral and polar, with methionine, which is neutral and non-polar, at codon 2820 of the TRRAP protein (p.Thr2820Met). This variant is present in population databases (rs367803498, gnomAD 0.004%). This variant has not been reported in the literature in individuals affected with TRRAP-related conditions. Invitae Evidence Modeling of protein sequence and biophysical properties (such as structural, functional, and spatial information, amino acid conservation, physicochemical variation, residue mobility, and thermodynamic stability) indicates that this missense variant is not expected to disrupt TRRAP protein function with a negative predictive value of 80%. In summary, the available evidence is currently insufficient to determine the role of this variant in disease. Therefore, it has been classified as a Variant of Uncertain Significance.